The following is an entry in ClinVar:

ClinVar aggregate classification (germline): Uncertain significance (1 of 4 stars; one submission).

Submission:

GeneDx
Classification: Uncertain significance. Last evaluated: 2023-12-11. Review status: criteria provided, single submitter. Criteria: GeneDx Variant Classification Process June 2021. Collection method: clinical testing. Allele origin: germline. Affected: yes.
Comment: Has not been previously published as pathogenic or benign to our knowledge; Not observed at significant frequency in large population cohorts (gnomAD); In silico analysis supports that this missense variant has a deleterious effect on protein structure/function; This variant is associated with the following publications: (PMID: 35914810)

NM_012062.5(DNM1L):c.2130G>T (p.Arg710Ser)

Gene: DNM1L (dynamin 1 like; plus strand). Cytogenetic location: 12p11.21.
Variant type: single nucleotide variant.
Coding change: c.2130G>T on transcript NM_012062.5 (MANE Select); coding-DNA position 2130, G replaced by T.
Protein change: p.Arg710Ser; replaces arginine 710 with serine.
Molecular consequence: missense variant.
Genome position (GRCh38, 1-based): chr12:32,742,724, G>T. VCF-style: chr12-32742724-G-T. GRCh37 (hg19) VCF-style: chr12-32895658-G-T.
Other names: c.2097G>T, p.Arg699Ser (NM_001278463.2); c.2169G>T, p.Arg723Ser (NM_001278464.2); c.2136G>T, p.Arg712Ser (NM_001278465.2); c.1521G>T, p.Arg507Ser (NM_001278466.2); c.2058G>T, p.Arg686Ser (NM_001330380.2); c.2019G>T, p.Arg673Ser (NM_005690.5); c.2052G>T, p.Arg684Ser (NM_012063.4); short protein forms R507S, R673S, R684S, R686S, R699S, R710S, R712S, R723S.
Identifiers: ClinVar variation 3365604 (VCV003365604.1).
Genomic context (GRCh38, chr12:32,742,724, plus strand): 5'-GTATAAATCATCCTTATTGGATGATCTTCTGACAGAATCTGAGGACATGGCACAGCGCAG[G>T]AAAGAAGCAGCTGATATGCTAAAGGTATTGTGGACCTTTTGATTTTTTATACTTGGGTAG-3'
Protein context (NP_036192.2, residues 700-720): LTESEDMAQR[Arg710Ser]KEAADMLKAL